The following is an entry in ClinVar:

NM_000384.3(APOB):c.244C>T (p.Leu82=)

Gene: APOB (apolipoprotein B; minus strand). Cytogenetic location: 2p24.1.
Variant type: single nucleotide variant.
Coding change: c.244C>T on transcript NM_000384.3 (MANE Select); coding-DNA position 244, C replaced by T.
Protein change: p.Leu82=; no amino-acid change (leucine 82 retained).
Molecular consequence: synonymous variant.
Genome position (GRCh38, 1-based): chr2:21,041,077, G>A on the plus strand (C>T on the coding strand, the complement: APOB is on the minus strand). VCF-style: chr2-21041077-G-A. GRCh37 (hg19) VCF-style: chr2-21263949-G-A.
Identifiers: ClinVar variation 490387 (VCV000490387.44), dbSNP rs201658954, ClinGen allele CA056483.

ClinVar aggregate classification (germline): Likely benign. Review status: criteria provided, multiple submitters, no conflicts (2 of 4 stars). 6 submissions from 6 submitters: Likely benign (5). 1 of the submissions does not count toward it. Last evaluated 2026-08-01.

Conditions:
Cardiovascular phenotype. Identifiers: MedGen CN230736.
APOB-related disorder. Also called: APOB-related condition; APOB-related disorders.
Familial hypobetalipoproteinemia 1. Also called: Hypobetalipoproteinemia, normotriglyceridemic; Acanthocytosis with hypobetalipoproteinemia; APOB-Related Familial Hypobetalipoproteinemia. Identifiers: MedGen C4551990, MONDO:0014252, OMIM 615558.
Hypercholesterolemia, autosomal dominant, type B (FHCL2). Also called: APOLIPOPROTEIN B-100, FAMILIAL DEFECTIVE; APOLIPOPROTEIN B-100, FAMILIAL LIGAND-DEFECTIVE; HYPERCHOLESTEROLEMIA, FAMILIAL, DUE TO LIGAND-DEFECTIVE APOLIPOPROTEIN B; Familial Hypercholesterolemia Type B; Hyperlipoproteinemia Type IIb; Familial hypercholesterolemia 2. Identifiers: MedGen C1704417, MONDO:0007751, OMIM 144010.
Familial hypercholesterolemia. Also called: Familial hypercholesterolaemia; Familial hypercholesterolemias. Identifiers: MedGen C0020445, MONDO:0005439.

Allele frequency attached by ClinVar (database versions not stated): gnomAD exomes 0.00010 and 0.00020; TOPMed 0.00011; ExAC 0.00013; gnomAD 0.00013 and 0.00014.
gnomAD v4.1: 337 of 1,611,728 alleles (0.021%); highest among the groups gnomAD compares: Non-Finnish European, 0.025%; 1 homozygote.

Submissions (6):

CeGaT Center for Human Genetics Tuebingen
Classification: Likely benign. Last evaluated: 2026-08-01. Review status: criteria provided, single submitter. Criteria: CeGaT Center For Human Genetics Tuebingen Variant Classification Criteria Version 2. Collection method: clinical testing. Allele origin: germline. Affected: yes. Observed: 2 variant alleles.
Comment: APOB: BP4

Labcorp Genetics (formerly Invitae), Labcorp
Classification: Likely benign for Familial hypobetalipoproteinemia 1; Hypercholesterolemia, autosomal dominant, type B. Last evaluated: 2025-08-10. Review status: criteria provided, single submitter. Criteria: Invitae Variant Classification Sherloc (09022015). Collection method: clinical testing. Allele origin: germline.

GENinCode PLC
Classification: Likely benign for Familial hypercholesterolemia. Last evaluated: 2025-05-02. Review status: criteria provided, single submitter. Criteria: ACMG Guidelines, 2015. Collection method: clinical testing. Allele origin: germline.
Comment: This is a synonymous (silent) variant that is not predicted to impact splicing and occurs at a nucleotide which is not highly conserved. This variant has been classified as Likely Benign (BP4, BP7).

Blueprint Genetics
Classification: Likely benign. Last evaluated: 2024-05-17. Review status: criteria provided, single submitter. Criteria: ACMG Guidelines, 2015. Collection method: clinical testing. Allele origin: germline.

Ambry Genetics
Classification: Likely benign for Cardiovascular phenotype. Last evaluated: 2018-10-09. Review status: criteria provided, single submitter. Criteria: Ambry Variant Classification Scheme 2023. Collection method: clinical testing. Allele origin: germline.

PreventionGenetics, part of Exact Sciences
Classification: Likely benign for APOB-related condition. Last evaluated: 2022-04-12. Review status: no assertion criteria provided. Collection method: clinical testing. Allele origin: germline. Not counted in ClinVar's aggregate classification.
Comment: This variant is classified as likely benign based on ACMG/AMP sequence variant interpretation guidelines (Richards et al. 2015 PMID: 25741868, with internal and published modifications).